The following is an entry in ClinVar:

ClinVar aggregate classification (germline): Pathogenic. Review status: reviewed by expert panel (3 of 4 stars). 2 submissions from 2 submitters: Pathogenic (1). 1 of the submissions does not count toward it. Last evaluated 2023-02-19.

Conditions:
Familial adenomatous polyposis 1 (FAP1). Also called: FAMILIAL ADENOMATOUS POLYPOSIS 1, ATTENUATED; POLYPOSIS, ADENOMATOUS INTESTINAL. Identifiers: MedGen C2713442, MONDO:0021056, OMIM 175100. Disease mechanism: loss of function.

Submissions (2):

ClinGen InSiGHT Hereditary Colorectal Cancer/Polyposis Variant Curation Expert Panel
Classification: Pathogenic for Familial adenomatous polyposis 1. Last evaluated: 2023-02-19. Review status: reviewed by expert panel. Criteria: ClinGen InSiGHT HCCP VCEP ACMG Specifications APC V1. Collection method: curation. Allele origin: germline. Inheritance: Autosomal dominant inheritance.
Comment: The c.1311_1312+1del variant in APC occurs within the canonical splice donor site of intron 10. It is predicted to cause skipping of exon 10, resulting in a frameshift in a gene in which loss-of-function is an established disease mechanism (PVS1). This variant has been reported in a family with FAP and CHRPE (father [index] and two affected children), resulting in a total phenotype score of 1 (PS4_supporting). The variant occurred de novo in the index patient (paternity/ maternity confirmed; PS2). The variant is not reported in gnomAD (PM2_supporting). In summary, this variant meets the criteria to be classified as Pathogenic for FAP based on the ACMG/AMP criteria applied, as specified by the ClinGen InSiGHT Hereditary Colorectal Cancer/Polyposis Variant Curation Expert Panel: PVS1, PS2, PS4_supporting and PM2_supporting (VCEP specifications version 1; date of approval: 10/12/22).

OMIM
Classification: Pathogenic for FAMILIAL ADENOMATOUS POLYPOSIS 1. Last evaluated: 1994-01-01. Review status: no assertion criteria provided. Collection method: literature only. Allele origin: germline. Not counted in ClinVar's aggregate classification.

Literature cited by the submitters: PubMed 8019566 (cited by OMIM).

NM_000038.6(APC):c.1311_1312+1del

Gene: APC (APC regulator of Wnt signaling pathway; plus strand). Cytogenetic location: 5q22.2.
Variant type: Deletion.
Coding change: c.1311_1312+1del on transcript NM_000038.6 (MANE Select); coding-DNA position 1311 through the canonical splice donor site of the intron after coding-DNA position 1312, 3 bases deleted (AAG; older notation c.1311_1312+1delAAG).
Molecular consequence: splice donor variant.
Genome position (GRCh38, 1-based): chr5:112,819,343-112,819,345, AAG deleted. VCF-style (leftmost placement, unchanged base first): chr5-112819342-CAAG-C. GRCh37 (hg19) VCF-style: chr5-112155039-CAAG-C.
Other names: c.1311_1312+1del (NM_001354895.2, NM_001127510.3, NM_001354896.2); c.1341_1342+1del (NM_001354897.2); c.1038_1039+1del (NM_001354902.2); c.1257_1258+1del (NM_001127511.3); c.1236_1237+1del (NM_001354898.2); c.933_934+1del (NM_001354904.2); c.462_463+1del (NM_001354906.2); c.1008_1009+1del (NM_001354903.2); and 3 more.
Identifiers: ClinVar variation 826 (VCV000000826.2), dbSNP rs397514030, ClinGen allele CA251620.